The following is an entry in ClinVar:

NM_152564.5(VPS13B):c.4975G>A (p.Ala1659Thr)

Gene: VPS13B (vacuolar protein sorting 13 homolog B; plus strand). Cytogenetic location: 8q22.2.
Variant type: single nucleotide variant.
Coding change: c.4975G>A on transcript NM_152564.5 (MANE Select); coding-DNA position 4975, G replaced by A.
Protein change: p.Ala1659Thr; replaces alanine 1659 with threonine.
Molecular consequence: missense variant.
Genome position (GRCh38, 1-based): chr8:99,575,683, G>A. VCF-style: chr8-99575683-G-A. GRCh37 (hg19) VCF-style: chr8-100587911-G-A.
Other names: c.5050G>A, p.Ala1684Thr (NM_017890.5); short protein forms A1659T, A1684T.
Identifiers: ClinVar variation 2149401 (VCV002149401.4), dbSNP rs200014322, ClinGen allele CA4823710.

ClinVar aggregate classification (germline): Uncertain significance (1 of 4 stars; one submission).

Conditions:
Cohen syndrome (COH1). Also called: PEPPER SYNDROME; Cutis verticis gyrata, retinitis pigmentosa, and sensorineural deafness. Identifiers: Orphanet 193, MedGen C0265223, MONDO:0008999, OMIM 216550.

Allele frequency attached by ClinVar (database versions not stated): gnomAD exomes below 0.00001; ExAC 0.00001; gnomAD 0.00001; 1000 Genomes Project 30x 0.00016; 1000 Genomes Project 0.00020.
gnomAD v4.1: 2 of 1,613,898 alleles (0.00012%); highest among the groups gnomAD compares: Non-Finnish European, 0.000085%; no homozygotes.

Submission:

Labcorp Genetics (formerly Invitae), Labcorp
Classification: Uncertain significance for Cohen syndrome. Last evaluated: 2022-10-19. Review status: criteria provided, single submitter. Criteria: Invitae Variant Classification Sherloc (09022015). Collection method: clinical testing. Allele origin: germline.
Comment: In summary, the available evidence is currently insufficient to determine the role of this variant in disease. Therefore, it has been classified as a Variant of Uncertain Significance. Advanced modeling of protein sequence and biophysical properties (such as structural, functional, and spatial information, amino acid conservation, physicochemical variation, residue mobility, and thermodynamic stability) performed at Invitae indicates that this missense variant is not expected to disrupt VPS13B protein function. This variant has not been reported in the literature in individuals affected with VPS13B-related conditions. This variant is present in population databases (rs200014322, gnomAD 0.0009%). This sequence change replaces alanine, which is neutral and non-polar, with threonine, which is neutral and polar, at codon 1684 of the VPS13B protein (p.Ala1684Thr).